The following is an entry in ClinVar:

NM_001282933.2(ZNF341):c.2095G>A (p.Ala699Thr)

Genes: ZNF341 (zinc finger protein 341; plus strand), ZNF341-AS1 (ZNF341 antisense RNA 1; minus strand). Cytogenetic location: 20q11.22.
Variant type: single nucleotide variant.
Coding change: c.2095G>A on transcript NM_001282933.2 (MANE Select); coding-DNA position 2095, G replaced by A.
Protein change: p.Ala699Thr; replaces alanine 699 with threonine.
Molecular consequence: missense variant. On other transcripts: non-coding transcript variant (1).
Genome position (GRCh38, 1-based): chr20:33,791,047, G>A. VCF-style: chr20-33791047-G-A. GRCh37 (hg19) VCF-style: chr20-32378853-G-A.
Other names: c.1825G>A, p.Ala609Thr (NM_001282935.2); c.2074G>A, p.Ala692Thr (NM_032819.5); short protein forms A609T, A699T, A692T.
Identifiers: ClinVar variation 1356581 (VCV001356581.6), dbSNP rs200607156, ClinGen allele CA9819698.

ClinVar aggregate classification (germline): Uncertain significance (1 of 4 stars; one submission).

Allele frequency attached by ClinVar (database versions not stated): gnomAD 0.00001 and 0.00003; ExAC 0.00005; gnomAD exomes 0.00005; 1000 Genomes Project 0.00040; 1000 Genomes Project 30x 0.00047.
gnomAD v4.1: 37 of 1,613,504 alleles (0.0023%); highest among the groups gnomAD compares: Admixed American, 0.013%; no homozygotes.

Submission:

Labcorp Genetics (formerly Invitae), Labcorp
Classification: Uncertain significance. Last evaluated: 2023-12-07. Review status: criteria provided, single submitter. Criteria: Invitae Variant Classification Sherloc (09022015). Collection method: clinical testing. Allele origin: germline.
Comment: This sequence change replaces alanine, which is neutral and non-polar, with threonine, which is neutral and polar, at codon 692 of the ZNF341 protein (p.Ala692Thr). This variant is present in population databases (rs200607156, gnomAD 0.02%). This variant has not been reported in the literature in individuals affected with ZNF341-related conditions. ClinVar contains an entry for this variant (Variation ID: 1356581). An algorithm developed to predict the effect of missense changes on protein structure and function (PolyPhen-2) suggests that this variant¬†is likely to be tolerated. In summary, the available evidence is currently insufficient to determine the role of this variant in disease. Therefore, it has been classified as a Variant of Uncertain Significance.